The following is an entry in ClinVar:

NM_001040142.2(SCN2A):c.2874G>C (p.Met958Ile)

Gene: SCN2A (sodium voltage-gated channel alpha subunit 2; plus strand). Cytogenetic location: 2q24.3.
Variant type: single nucleotide variant.
Coding change: c.2874G>C on transcript NM_001040142.2 (MANE Select); coding-DNA position 2874, G replaced by C.
Protein change: p.Met958Ile; replaces methionine 958 with isoleucine.
Molecular consequence: missense variant.
Genome position (GRCh38, 1-based): chr2:165,344,866, G>C. VCF-style: chr2-165344866-G-C. GRCh37 (hg19) VCF-style: chr2-166201376-G-C.
Other names: c.2874G>C, p.Met958Ile (NM_001040143.2, NM_001371246.1, NM_001371247.1 and 1 more transcripts); short protein forms M958I.
Identifiers: ClinVar variation 589851 (VCV000589851.5), dbSNP rs1559377161, ClinGen allele CA349016300.
Genomic context (GRCh38, chr2:165,344,866, plus strand): 5'-GCTGTGTGGAGAGTGGATAGAGACCATGTGGGACTGTATGGAGGTCGCTGGCCAAACCAT[G>C]TGCCTTACTGTCTTCATGATGGTCATGGTGATTGGAAATCTAGTGGTATGTAGCAAAAAC-3'
Protein context (NP_001035232.1, residues 948-968): WDCMEVAGQT[Met958Ile]CLTVFMMVMV

ClinVar aggregate classification (germline): Uncertain significance (1 of 4 stars; one submission).

Conditions:
Inborn genetic diseases. Identifiers: MedGen C0950123, MeSH D030342.

Submission:

Ambry Genetics
Classification: Uncertain significance for Inborn genetic diseases. Last evaluated: 2022-08-23. Review status: criteria provided, single submitter. Criteria: Ambry Variant Classification Scheme 2023. Collection method: clinical testing. Allele origin: germline.
Comment: The c.2874G>C (p.M958I) alteration is located in exon 16 (coding exon 15) of the SCN2A gene. This alteration results from a G to C substitution at nucleotide position 2874, causing the methionine (M) at amino acid position 958 to be replaced by an isoleucine (I). This variant was not reported in population-based cohorts in the Genome Aggregation Database (gnomAD). This amino acid position is highly conserved in available vertebrate species. This alteration is predicted to be deleterious by in silico analysis. Based on insufficient or conflicting evidence, the clinical significance of this alteration remains unclear.